The following is an entry in ClinVar:

NM_144687.4(NLRP12):c.23A>C (p.Asp8Ala)

Gene: NLRP12 (NLR family pyrin domain containing 12; minus strand). Cytogenetic location: 19q13.42.
Variant type: single nucleotide variant.
Coding change: c.23A>C on transcript NM_144687.4 (MANE Select); coding-DNA position 23, A replaced by C.
Protein change: p.Asp8Ala; replaces aspartic acid 8 with alanine.
Molecular consequence: missense variant.
Genome position (GRCh38, 1-based): chr19:53,824,152, T>G on the plus strand (A>C on the coding strand, the complement: NLRP12 is on the minus strand). VCF-style: chr19-53824152-T-G. GRCh37 (hg19) VCF-style: chr19-54327406-T-G.
Other names: c.23A>C, p.Asp8Ala (NM_001277126.2, NM_001277129.1); short protein forms D8A.
Identifiers: ClinVar variation 4711864 (VCV004711864.1).

ClinVar aggregate classification (germline): Uncertain significance (1 of 4 stars; one submission).

Conditions:
Familial cold autoinflammatory syndrome 2 (FCAS2). Identifiers: Orphanet 247868, MedGen C2673198, MONDO:0012724, OMIM 611762.

Submission:

Labcorp Genetics (formerly Invitae), Labcorp
Classification: Uncertain significance for Familial cold autoinflammatory syndrome 2. Last evaluated: 2025-03-29. Review status: criteria provided, single submitter. Criteria: Invitae Variant Classification Sherloc (09022015). Collection method: clinical testing. Allele origin: germline.
Comment: This sequence change replaces aspartic acid, which is acidic and polar, with alanine, which is neutral and non-polar, at codon 8 of the NLRP12 protein (p.Asp8Ala). This variant is not present in population databases (gnomAD no frequency). This variant has not been reported in the literature in individuals affected with NLRP12-related conditions. An algorithm developed to predict the effect of missense changes on protein structure and function outputs the following: PolyPhen-2: "Benign". The alanine amino acid residue is found in multiple mammalian species, which suggests that this missense change does not adversely affect protein function. In summary, the available evidence is currently insufficient to determine the role of this variant in disease. Therefore, it has been classified as a Variant of Uncertain Significance.